The following is an entry in ClinVar:

ClinVar aggregate classification (germline): Uncertain significance (1 of 4 stars; one submission).

Allele frequency attached by ClinVar (database versions not stated): TOPMed 0.00001; gnomAD 0.00002; gnomAD exomes 0.00002; ExAC 0.00004; ESP Exome Variant Server 0.00016.

Submission:

Labcorp Genetics (formerly Invitae), Labcorp
Classification: Uncertain significance. Last evaluated: 2022-08-15. Review status: criteria provided, single submitter. Criteria: Invitae Variant Classification Sherloc (09022015). Collection method: clinical testing. Allele origin: germline.
Comment: In summary, the available evidence is currently insufficient to determine the role of this variant in disease. Therefore, it has been classified as a Variant of Uncertain Significance. Algorithms developed to predict the effect of missense changes on protein structure and function (SIFT, PolyPhen-2, Align-GVGD) all suggest that this variant is likely to be tolerated. ClinVar contains an entry for this variant (Variation ID: 1430839). This variant has not been reported in the literature in individuals affected with MOCS3-related conditions. This variant is present in population databases (rs151319247, gnomAD 0.004%). This sequence change replaces alanine, which is neutral and non-polar, with serine, which is neutral and polar, at codon 2 of the MOCS3 protein (p.Ala2Ser).

NM_014484.5(MOCS3):c.4G>T (p.Ala2Ser)

Gene: MOCS3 (molybdenum cofactor synthesis 3; plus strand). Cytogenetic location: 20q13.13.
Variant type: single nucleotide variant.
Coding change: c.4G>T on transcript NM_014484.5 (MANE Select); coding-DNA position 4, G replaced by T.
Protein change: p.Ala2Ser; replaces alanine 2 with serine.
Molecular consequence: missense variant.
Genome position (GRCh38, 1-based): chr20:50,958,846, G>T. VCF-style: chr20-50958846-G-T. GRCh37 (hg19) VCF-style: chr20-49575383-G-T.
Other names: short protein forms A2S.
Identifiers: ClinVar variation 1430839 (VCV001430839.8), dbSNP rs151319247, ClinGen allele CA9909322.